The following is an entry in ClinVar:

ClinVar aggregate classification (germline): Benign. Review status: criteria provided, multiple submitters, no conflicts (2 of 4 stars). 12 submissions from 12 submitters: Benign (10). 2 of the submissions do not count toward it. Last evaluated 2026-02-04.

Conditions:
Squamous cell lung carcinoma. Also called: Lung cancer, squamous cell, somatic; Squamous cell carcinoma of lung. Identifiers: MedGen C0149782, MONDO:0005097, HP:0030359.
Hereditary cancer-predisposing syndrome. Also called: Tumor predisposition; Hereditary Cancer Syndrome; Neoplastic Syndromes, Hereditary; Hereditary neoplastic syndrome. Identifiers: Orphanet 140162, MedGen C0027672, MeSH D009386, MONDO:0015356.
Neuroblastoma, susceptibility to, 3. Also called: ALK-Related Neuroblastic Tumor Susceptibility. Identifiers: Orphanet 635, MedGen C2751681, MONDO:0013083, OMIM 613014.

Allele frequency attached by ClinVar (database versions not stated): ESP Exome Variant Server 0.22144; gnomAD 0.27292; TOPMed 0.28954; ExAC 0.32715; gnomAD exomes 0.33694; 1000 Genomes Project 30x 0.41006; 1000 Genomes Project 0.41593.
gnomAD v4.1: 409,021 of 1,612,654 alleles (25%); highest among the groups gnomAD compares: East Asian, 72%; 63,150 homozygotes.

Submissions (12):

Labcorp Genetics (formerly Invitae), Labcorp
Classification: Benign for Neuroblastoma, susceptibility to, 3. Last evaluated: 2026-02-04. Review status: criteria provided, single submitter. Criteria: Invitae Variant Classification Sherloc (09022015). Collection method: clinical testing. Allele origin: germline.

KCCC/NGS Laboratory, Kuwait Cancer Control Center
Classification: Benign for Neuroblastoma, susceptibility to, 3. Last evaluated: 2023-07-07. Review status: criteria provided, single submitter. Criteria: ACMG Guidelines, 2015. Collection method: clinical testing. Allele origin: germline. Affected: yes.

Mayo Clinic Laboratories, Mayo Clinic
Classification: Benign. Last evaluated: 2022-02-18. Review status: criteria provided, single submitter. Criteria: ACMG Guidelines, 2015. Collection method: clinical testing. Allele origin: germline. Observed: 115 variant alleles.

Illumina Laboratory Services, Illumina
Classification: Benign for Neuroblastoma, susceptibility to, 3. Last evaluated: 2018-01-13. Review status: criteria provided, single submitter. Criteria: ICSL Variant Classification Criteria 13 December 2019. Collection method: clinical testing. Allele origin: germline.
Comment: This variant was observed in the ICSL laboratory as part of a predisposition screen in an ostensibly healthy population. It had not been previously curated by ICSL or reported in the Human Gene Mutation Database (HGMD: prior to June 1st, 2018), and was therefore a candidate for classification through an automated scoring system. Utilizing variant allele frequency, disease prevalence and penetrance estimates, and inheritance mode, an automated score was calculated to assess if this variant is too frequent to cause the disease. Based on the score and internal cut-off values, a variant classified as benign is not then subjected to further curation. The score for this variant resulted in a classification of benign for this disease.

Ambry Genetics
Classification: Benign for Hereditary cancer-predisposing syndrome. Last evaluated: 2016-12-12. Review status: criteria provided, single submitter. Criteria: Ambry Variant Classification Scheme 2023. Collection method: clinical testing. Allele origin: germline.

Women's Health and Genetics/Laboratory Corporation of America, LabCorp
Classification: Benign. Last evaluated: 2016-04-27. Review status: criteria provided, single submitter. Criteria: LabCorp Variant Classification Summary - May 2015. Collection method: clinical testing. Allele origin: germline.
Comment: Variant summary: The c.3375C>A variant involves the alteration of a non-conserved nucleotide resulting in a synonymous change. 4/4 in silico tools via Alamut predict no significant effect on splicing. The variant was observed in the large, broad control population, ExAC with an allele frequency of 32.7% which includes 8232 homozygous occurrences, strong evidence that this is a benign polymorphism. Due to the synonymous nature of this variant and the high allele frequency in the general population, this variant has been classified as Benign.

GeneDx
Classification: Benign. Last evaluated: 2016-04-15. Review status: criteria provided, single submitter. Criteria: GeneDx Variant Classification (06012015). Collection method: clinical testing. Allele origin: germline. Affected: yes.
Comment: This variant is considered likely benign or benign based on one or more of the following criteria: it is a conservative change, it occurs at a poorly conserved position in the protein, it is predicted to be benign by multiple in silico algorithms, and/or has population frequency not consistent with disease.

Laboratory for Molecular Medicine, Mass General Brigham Personalized Medicine
Classification: Benign. Last evaluated: 2016-03-29. Review status: criteria provided, single submitter. Criteria: LMM Criteria. Collection method: clinical testing. Allele origin: germline.
Comment: Variant identified in a genome or exome case(s) and assessed due to predicted null impact of the variant or pathogenic assertions in the literature or databases. Disclaimer: This variant has not undergone full assessment. The following are preliminary notes: Frequency

Clinical Genetics DNA and cytogenetics Diagnostics Lab, Erasmus MC, Erasmus Medical Center
Classification: Benign for Neuroblastoma, susceptibility to, 3. Last evaluated: 2015-09-21. Review status: criteria provided, single submitter. Criteria: ACGS Guidelines, 2013. Collection method: clinical testing. Allele origin: germline. Affected: yes. Study: VKGL Data-share Consensus.

Breakthrough Genomics
Classification: Benign. Review status: criteria provided, single submitter. Criteria: ACMG Guidelines, 2015. Collection method: not provided. Allele origin: germline. Inheritance: Unknown mechanism. Affected: yes.

Faculté Pluridciplinaire Nador, Université Mohamed Premier
Classification: Likely benign for Squamous Cell Lung Carcinoma. Last evaluated: 2020-05-05. Review status: no assertion criteria provided. Collection method: clinical testing, in vivo. Allele origin: somatic. Affected: yes. Observed: 1 variant allele. Not counted in ClinVar's aggregate classification.

Diagnostic Laboratory, Department of Genetics, University Medical Center Groningen
Classification: Benign for Neuroblastoma, susceptibility to, 3. Review status: no assertion criteria provided. Collection method: clinical testing. Allele origin: germline. Affected: yes. Study: VKGL Data-share Consensus. Not counted in ClinVar's aggregate classification.

Literature cited by the submitters: DOI 10.3389/fonc.2020.01215 (cited by Faculté Pluridciplinaire Nador, Université Mohamed Premier).

NM_004304.5(ALK):c.3375C>A (p.Gly1125=)

Gene: ALK (ALK receptor tyrosine kinase; minus strand). Cytogenetic location: 2p23.2.
Variant type: single nucleotide variant.
Coding change: c.3375C>A on transcript NM_004304.5 (MANE Select); coding-DNA position 3375, C replaced by A.
Protein change: p.Gly1125=; no amino-acid change (glycine 1125 retained).
Molecular consequence: synonymous variant.
Genome position (GRCh38, 1-based): chr2:29,222,592, G>T on the plus strand (C>A on the coding strand, the complement: ALK is on the minus strand). VCF-style: chr2-29222592-G-T. GRCh37 (hg19) VCF-style: chr2-29445458-G-T.
Other names: p.Gly1125=; c.171C>A, p.Gly57= (NM_001353765.2).
Identifiers: ClinVar variation 335694 (VCV000335694.24), dbSNP rs3795850, ClinGen allele CA1593969.